The following is an entry in ClinVar:

ClinVar aggregate classification (germline): Uncertain significance (1 of 4 stars; one submission).

Allele frequency attached by ClinVar (database versions not stated): gnomAD exomes below 0.00001; TOPMed below 0.00001.

Submission:

GeneDx
Classification: Uncertain significance. Last evaluated: 2019-10-07. Review status: criteria provided, single submitter. Criteria: GeneDx Variant Classification Process June 2021. Collection method: clinical testing. Allele origin: germline. Affected: yes.
Comment: Has not been previously published as pathogenic or benign to our knowledge

NM_000460.4(THPO):c.-126G>T

Gene: THPO (thrombopoietin; minus strand). Cytogenetic location: 3q27.1.
Variant type: single nucleotide variant.
Coding change: c.-126G>T on transcript NM_000460.4 (MANE Select); 126 bases upstream of the start codon, G replaced by T.
Molecular consequence: 5 prime UTR variant. On other transcripts: missense variant (1).
Genome position (GRCh38, 1-based): chr3:184,376,385, C>A on the plus strand (G>T on the coding strand, the complement: THPO is on the minus strand). VCF-style: chr3-184376385-C-A. GRCh37 (hg19) VCF-style: chr3-184094173-C-A.
Other names: c.-126G>T (NM_001177597.2, NM_001177598.2, NM_001289997.1 and 5 more transcripts); c.295G>T, p.Ala99Ser (NM_001290003.1); short protein forms A99S.
Identifiers: ClinVar variation 1309244 (VCV001309244.2), dbSNP rs1347759824, ClinGen allele CA903710705.